The following is an entry in ClinVar:

ClinVar aggregate classification (germline): Uncertain significance (1 of 4 stars; one submission).

Conditions:
Hereditary cancer-predisposing syndrome. Also called: Tumor predisposition; Hereditary neoplastic syndrome; Neoplastic Syndromes, Hereditary; Hereditary Cancer Syndrome. Identifiers: Orphanet 140162, MedGen C0027672, MeSH D009386, MONDO:0015356.

Allele frequency attached by ClinVar (database versions not stated): gnomAD exomes below 0.00001.
gnomAD v4.1: 1 of 1,613,042 alleles (0.000062%); highest among the groups gnomAD compares: Non-Finnish European, 0.000085%; no homozygotes.

Submission:

Ambry Genetics
Classification: Uncertain significance for Hereditary cancer-predisposing syndrome. Last evaluated: 2026-07-29. Review status: criteria provided, single submitter. Criteria: Ambry Variant Classification Scheme 2023. Collection method: clinical testing. Allele origin: germline.
Comment: The c.930A>G variant (also known as p.T310T), located in coding exon 10 of the BAP1 gene, results from an A to G substitution at nucleotide position 930. This nucleotide substitution does not change the threonine at codon 310. This nucleotide position is well conserved in available vertebrate species. In silico splice site analysis predicts that this alteration may weaken the native splice donor site. RNA studies have demonstrated that this variant results in an incomplete splice defect; the clinical impact of this abnormal splicing is unknown at this time (Ambry internal data). Based on the available evidence, the clinical significance of this variant remains unclear.

NM_004656.4(BAP1):c.930A>G (p.Thr310=)

Gene: BAP1 (BRCA1 associated deubiquitinase 1; minus strand). Cytogenetic location: 3p21.1.
Variant type: single nucleotide variant.
Coding change: c.930A>G on transcript NM_004656.4 (MANE Select); coding-DNA position 930, A replaced by G.
Protein change: p.Thr310=; no amino-acid change (threonine 310 retained).
Molecular consequence: synonymous variant.
Genome position (GRCh38, 1-based): chr3:52,405,766, T>C on the plus strand (A>G on the coding strand, the complement: BAP1 is on the minus strand). VCF-style: chr3-52405766-T-C. GRCh37 (hg19) VCF-style: chr3-52439782-T-C.
Identifiers: ClinVar variation 823157 (VCV000823157.5), dbSNP rs1578224229, ClinGen allele CA433775491.